The following is an entry in ClinVar:

ClinVar aggregate classification (germline): Uncertain significance (1 of 4 stars; one submission).

Conditions:
Orthostatic hypotension 1 (ORTHYP1). Also called: Orthostatic hypotension 1, due to DBH deficiency; NORADRENALINE DEFICIENCY; NOREPINEPHRINE DEFICIENCY; Dopamine beta-hydroxylase deficiency. Identifiers: Orphanet 230, MedGen C4746777, MONDO:0009123, OMIM 223360.

Allele frequency attached by ClinVar (database versions not stated): gnomAD exomes 0.00004 and 0.00006; gnomAD 0.00005; TOPMed 0.00005; ExAC 0.00006; ESP Exome Variant Server 0.00008.
gnomAD v4.1: 89 of 1,612,892 alleles (0.0055%); highest among the groups gnomAD compares: East Asian, 0.0089%; no homozygotes.

Submission:

Labcorp Genetics (formerly Invitae), Labcorp
Classification: Uncertain significance for Orthostatic hypotension 1. Last evaluated: 2022-09-27. Review status: criteria provided, single submitter. Criteria: Invitae Variant Classification Sherloc (09022015). Collection method: clinical testing. Allele origin: germline.
Comment: This sequence change replaces alanine, which is neutral and non-polar, with threonine, which is neutral and polar, at codon 36 of the DBH protein (p.Ala36Thr). This variant is present in population databases (rs143544421, gnomAD 0.008%). This variant has not been reported in the literature in individuals affected with DBH-related conditions. ClinVar contains an entry for this variant (Variation ID: 1422926). Algorithms developed to predict the effect of missense changes on protein structure and function (SIFT, PolyPhen-2, Align-GVGD) all suggest that this variant is likely to be tolerated. In summary, the available evidence is currently insufficient to determine the role of this variant in disease. Therefore, it has been classified as a Variant of Uncertain Significance.

NM_000787.4(DBH):c.106G>A (p.Ala36Thr)

Gene: DBH (dopamine beta-hydroxylase; plus strand). Cytogenetic location: 9q34.2.
Variant type: single nucleotide variant.
Coding change: c.106G>A on transcript NM_000787.4 (MANE Select); coding-DNA position 106, G replaced by A.
Protein change: p.Ala36Thr; replaces alanine 36 with threonine.
Molecular consequence: missense variant.
Genome position (GRCh38, 1-based): chr9:133,636,477, G>A. VCF-style: chr9-133636477-G-A. GRCh37 (hg19) VCF-style: chr9-136501599-G-A.
Other names: short protein forms A36T.
Identifiers: ClinVar variation 1422926 (VCV001422926.5), dbSNP rs143544421, ClinGen allele CA5312948.